The following is an entry in ClinVar:

NM_000719.7(CACNA1C):c.5929G>C (p.Val1977Leu)

Genes: CACNA1C (calcium voltage-gated channel subunit alpha1 C; plus strand), CACNA1C-AS1 (CACNA1C antisense RNA 1; minus strand). Cytogenetic location: 12p13.33.
Variant type: single nucleotide variant.
Coding change: c.5929G>C on transcript NM_000719.7 (MANE Select); coding-DNA position 5929, G replaced by C.
Protein change: p.Val1977Leu; replaces valine 1977 with leucine.
Molecular consequence: missense variant.
Genome position (GRCh38, 1-based): chr12:2,688,591, G>C. VCF-style: chr12-2688591-G-C. GRCh37 (hg19) VCF-style: chr12-2797757-G-C.
Other names: c.6073G>C, p.Val2025Leu (NM_001129827.2); c.6052G>C, p.Val2018Leu (NM_001129829.2); c.6034G>C, p.Val2012Leu (NM_001129830.3, NM_001167624.3); c.6013G>C, p.Val2005Leu (NM_001129831.2); c.5989G>C, p.Val1997Leu (NM_001129832.2); c.5986G>C, p.Val1996Leu (NM_001129833.2, NM_001129834.2, NM_001129835.2); c.5980G>C, p.Val1994Leu (NM_001129836.2); c.5953G>C, p.Val1985Leu (NM_001129837.2, NM_001129838.2); and 6 more; short protein forms V1985L, V2005L, V2012L, V2025L, V2037L, V1966L, V1974L, V1983L.
Identifiers: ClinVar variation 1040982 (VCV001040982.10), dbSNP rs786205741, ClinGen allele CA383384579.

ClinVar aggregate classification (germline): Conflicting classifications of pathogenicity. Review status: criteria provided, conflicting classifications (1 of 4 stars). 2 submissions from 2 submitters: Uncertain significance (1); Likely benign (1). Last evaluated 2024-11-16.

Conditions:
Long QT syndrome (LQTS). Identifiers: MedGen C0023976, MeSH D008133, MONDO:0002442. Disease mechanism: loss of function. Inheritance: Various modes of inheritance.

gnomAD v4.1: 2 of 1,614,006 alleles (0.00012%); highest among the groups gnomAD compares: Non-Finnish European, 0.00017%; no homozygotes.

Submissions (2):

Labcorp Genetics (formerly Invitae), Labcorp
Classification: Uncertain significance for Long QT syndrome. Last evaluated: 2024-11-16. Review status: criteria provided, single submitter. Criteria: Invitae Variant Classification Sherloc (09022015). Collection method: clinical testing. Allele origin: germline.
Comment: This sequence change replaces valine, which is neutral and non-polar, with leucine, which is neutral and non-polar, at codon 1977 of the CACNA1C protein (p.Val1977Leu). This variant is not present in population databases (gnomAD no frequency). This variant has not been reported in the literature in individuals affected with CACNA1C-related conditions. ClinVar contains an entry for this variant (Variation ID: 1040982). Invitae Evidence Modeling of protein sequence and biophysical properties (such as structural, functional, and spatial information, amino acid conservation, physicochemical variation, residue mobility, and thermodynamic stability) indicates that this missense variant is not expected to disrupt CACNA1C protein function with a negative predictive value of 95%. In summary, the available evidence is currently insufficient to determine the role of this variant in disease. Therefore, it has been classified as a Variant of Uncertain Significance.

Blueprint Genetics
Classification: Likely benign. Last evaluated: 2024-05-20. Review status: criteria provided, single submitter. Criteria: ACMG Guidelines, 2015. Collection method: clinical testing. Allele origin: germline.